The following is an entry in ClinVar:

ClinVar aggregate classification (germline): Uncertain significance (1 of 4 stars; one submission).

Submission:

GeneDx
Classification: Uncertain significance. Last evaluated: 2019-12-24. Review status: criteria provided, single submitter. Criteria: GeneDx Variant Classification Process June 2021. Collection method: clinical testing. Allele origin: germline. Affected: yes.
Comment: Not observed in large population cohorts (Lek et al., 2016); In silico analysis, which includes protein predictors and evolutionary conservation, supports that this variant does not alter protein structure/function; Has not been previously published as pathogenic or benign to our knowledge

NM_004187.5(KDM5C):c.3167C>T (p.Ala1056Val)

Gene: KDM5C (lysine demethylase 5C; minus strand). Cytogenetic location: Xp11.22.
Variant type: single nucleotide variant.
Coding change: c.3167C>T on transcript NM_004187.5 (MANE Select); coding-DNA position 3167, C replaced by T.
Protein change: p.Ala1056Val; replaces alanine 1056 with valine.
Molecular consequence: missense variant. On other transcripts: non-coding transcript variant (3).
Genome position (GRCh38, 1-based): chrX:53,195,364, G>A on the plus strand (C>T on the coding strand, the complement: KDM5C is on the minus strand). VCF-style: chrX-53195364-G-A. GRCh37 (hg19) VCF-style: chrX-53224546-G-A.
Other names: c.2966C>T, p.Ala989Val (NM_001146702.2); c.3164C>T, p.Ala1055Val (NM_001282622.3, NM_001353979.2, NM_001353982.2); c.3167C>T, p.Ala1056Val (NM_001353978.3, NM_001353981.2, NM_001353984.2); short protein forms A1055V, A1056V, A989V.
Identifiers: ClinVar variation 1311526 (VCV001311526.2), dbSNP rs2146828855, ClinGen allele CA413110667.